The following is an entry in ClinVar:

ClinVar aggregate classification (germline): Uncertain significance. Review status: criteria provided, multiple submitters, no conflicts (2 of 4 stars). 2 submissions from 2 submitters: Uncertain significance (2). Last evaluated 2025-02-21.

Conditions:
Hereditary cancer-predisposing syndrome. Also called: Hereditary neoplastic syndrome; Neoplastic Syndromes, Hereditary; Tumor predisposition; Hereditary Cancer Syndrome. Identifiers: Orphanet 140162, MedGen C0027672, MeSH D009386, MONDO:0015356.
DICER1-related tumor predisposition. Also called: DICER1 syndrome; DICER1-related pleuropulmonary blastoma cancer predisposition syndrome. Identifiers: Orphanet 284343, MedGen C3839822, MONDO:0100216.

Submissions (2):

Ambry Genetics
Classification: Uncertain significance for Hereditary cancer-predisposing syndrome. Last evaluated: 2025-02-21. Review status: criteria provided, single submitter. Criteria: Ambry Variant Classification Scheme 2023. Collection method: clinical testing. Allele origin: germline.
Comment: The c.4965_4966delAGinsCC variant (also known as p.D1656H), located in coding exon 22 of the DICER1 gene, results from an in-frame deletion of AG and insertion of CC at nucleotide positions 4965 to 4966. This results in the substitution of the aspartic acid residue for a histidine residue at codon 1656, an amino acid with similar properties. This amino acid position is not well conserved in available vertebrate species. In addition, the in silico prediction for this alteration is inconclusive. Based on the available evidence, the clinical significance of this variant remains unclear.

Labcorp Genetics (formerly Invitae), Labcorp
Classification: Uncertain significance for DICER1-related tumor predisposition. Last evaluated: 2023-06-11. Review status: criteria provided, single submitter. Criteria: Invitae Variant Classification Sherloc (09022015). Collection method: clinical testing. Allele origin: germline.
Comment: In summary, the available evidence is currently insufficient to determine the role of this variant in disease. Therefore, it has been classified as a Variant of Uncertain Significance. Experimental studies and prediction algorithms are not available or were not evaluated, and the functional significance of this variant is currently unknown. ClinVar contains an entry for this variant (Variation ID: 1023027). This variant has not been reported in the literature in individuals affected with DICER1-related conditions. Information on the frequency of this variant in the gnomAD database is not available, as this variant may be reported differently in the database. This sequence change replaces aspartic acid, which is acidic and polar, with histidine, which is basic and polar, at codon 1656 of the DICER1 protein (p.Asp1656His).

NM_177438.3(DICER1):c.4965_4966delinsCC (p.Asp1656His)

Gene: DICER1 (dicer 1, ribonuclease III; minus strand). Cytogenetic location: 14q32.13.
Variant type: Indel.
Coding change: c.4965_4966delinsCC on transcript NM_177438.3 (MANE Select); coding-DNA positions 4965 to 4966, AG replaced by CC.
Protein change: p.Asp1656His; replaces aspartic acid 1656 with histidine.
Molecular consequence: missense variant.
Genome position (GRCh38, 1-based): chr14:95,095,954-95,095,955, CT replaced by GG on the plus strand (AG replaced by CC on the coding strand, the reverse complement: DICER1 is on the minus strand). VCF-style: chr14-95095954-CT-GG. GRCh37 (hg19) VCF-style: chr14-95562291-CT-GG.
Other names: c.4965_4966delAGinsCC (NM_177438.2); c.4965_4966delinsCC, p.Asp1656His (NM_001195573.1, NM_001271282.3, NM_001291628.2 and 1 more transcripts); short protein forms D1656H.
Identifiers: ClinVar variation 1023027 (VCV001023027.11), dbSNP rs1890275305, ClinGen allele CA2156302007.